The following is an entry in ClinVar:

ClinVar aggregate classification (germline): Conflicting classifications of pathogenicity. Review status: criteria provided, conflicting classifications (1 of 4 stars). 2 submissions from 2 submitters: Likely pathogenic (1); Uncertain significance (1). Last evaluated 2023-07-03.

Conditions:
Pseudohypoparathyroidism (PHP1A). Identifiers: Orphanet 79443, Orphanet 97593, MedGen C0033806, MONDO:0019992, HP:0000852.
Pseudopseudohypoparathyroidism (PPHP). Also called: ALBRIGHT HEREDITARY OSTEODYSTROPHY WITHOUT MULTIPLE HORMONE RESISTANCE; Pseudopseudohypoparathyroidism (PPHP). Identifiers: Orphanet 79445, MedGen C0033835, MONDO:0012912, OMIM 612463.

Allele frequency attached by ClinVar (database versions not stated): gnomAD exomes below 0.00001; TOPMed below 0.00001; gnomAD 0.00001.
gnomAD v4.1: 3 of 1,613,706 alleles (0.00019%); highest among the groups gnomAD compares: Non-Finnish European, 0.00025%; no homozygotes.

Submissions (2):

GeneDx
Classification: Uncertain significance. Last evaluated: 2023-07-03. Review status: criteria provided, single submitter. Criteria: GeneDx Variant Classification Process June 2021. Collection method: clinical testing. Allele origin: germline. Affected: yes.
Comment: Not observed at significant frequency in large population cohorts (gnomAD); In silico analysis supports that this missense variant does not alter protein structure/function; Reported using an alternate transcript of the gene; This variant is associated with the following publications: (PMID: 23533243, 29158550)

Institute of Human Genetics, FAU Erlangen, Friedrich-Alexander-Universität Erlangen-Nürnberg
Classification: Likely pathogenic for Pseudohypoparathyroidism type I A; Pseudopseudohypoparathyroidism. Last evaluated: 2017-08-01. Review status: criteria provided, single submitter. Criteria: ACMG Guidelines, 2015. Collection method: clinical testing. Allele origin: de novo. Inheritance: Sporadic. Affected: yes. Observed: 1 variant allele, 1 heterozygote.

NM_080425.4(GNAS):c.475G>A (p.Glu159Lys)

Gene: GNAS (GNAS complex locus; plus strand). Cytogenetic location: 20q13.32.
Variant type: single nucleotide variant.
Coding change: c.475G>A on transcript NM_080425.4 (MANE Plus Clinical); coding-DNA position 475, G replaced by A.
Protein change: p.Glu159Lys; replaces glutamic acid 159 with lysine.
Molecular consequence: missense variant. On other transcripts: synonymous variant (2), intron variant (3).
Genome position (GRCh38, 1-based): chr20:58,853,740, G>A. VCF-style: chr20-58853740-G-A. GRCh37 (hg19) VCF-style: chr20-57428795-G-A.
Other names: c.288G>A, p.Gln96= (NM_001077490.3, NM_001309883.1); c.475G>A, p.Glu159Lys (NM_001410913.1); c.*42+12854G>A (NM_016592.5); c.43+12854G>A (NM_001410912.1); c.-39+11865G>A (NM_001309861.2); short protein forms E159K.
Identifiers: ClinVar variation 431104 (VCV000431104.5), dbSNP rs1135401777, ClinGen allele CA409455990.